The following is an entry in ClinVar:

NM_006231.4(POLE):c.1704C>T (p.Asp568=)

Gene: POLE (DNA polymerase epsilon, catalytic subunit; minus strand). Cytogenetic location: 12q24.33.
Variant type: single nucleotide variant.
Coding change: c.1704C>T on transcript NM_006231.4 (MANE Select); coding-DNA position 1704, C replaced by T.
Protein change: p.Asp568=; no amino-acid change (aspartic acid 568 retained).
Molecular consequence: synonymous variant.
Genome position (GRCh38, 1-based): chr12:132,672,305, G>A on the plus strand (C>T on the coding strand, the complement: POLE is on the minus strand). VCF-style: chr12-132672305-G-A. GRCh37 (hg19) VCF-style: chr12-133248891-G-A.
Other names: c.1704C>T (NM_006231.2).
Identifiers: ClinVar variation 540861 (VCV000540861.11), dbSNP rs1202536047, ClinGen allele CA482849647.
Genomic context (GRCh38, chr12:132,672,305, plus strand): 5'-CACTTTCTCCTCTTCCTCAAGGGCGTGGCGCAAGGTCTTCTCAACCCGCTGCAGCAGGAA[G>A]TCAAAGGCGGCAGGATTCTAGCACAACAGTGAGACGACGGGGTCAGAGGGGAAACACACC-3'
Protein context (NP_006222.2, residues 558-578): CRFRMNPAAF[Asp568=]FLLQRVEKTL

ClinVar aggregate classification (germline): Conflicting classifications of pathogenicity. Review status: criteria provided, conflicting classifications (1 of 4 stars). 2 submissions from 2 submitters: Uncertain significance (1); Likely benign (1). Last evaluated 2026-08-18.

Conditions:
Hereditary cancer-predisposing syndrome. Also called: Hereditary Cancer Syndrome; Tumor predisposition; Hereditary neoplastic syndrome; Neoplastic Syndromes, Hereditary. Identifiers: Orphanet 140162, MedGen C0027672, MeSH D009386, MONDO:0015356.

Submissions (2):

Ambry Genetics
Classification: Uncertain significance for Hereditary cancer-predisposing syndrome. Last evaluated: 2026-08-18. Review status: criteria provided, single submitter. Criteria: Ambry Variant Classification Scheme 2023. Collection method: clinical testing. Allele origin: germline.
Comment: The c.1704C>T variant (also known as p.D568D), located in coding exon 16 of the POLE gene, results from a C to T substitution at nucleotide position 1704. This nucleotide substitution does not change the amino acid at codon 568. This nucleotide position is not well conserved in available vertebrate species. In silico splice site analysis predicts that this alteration may result in the creation or strengthening of a novel splice acceptor site. Based on the available evidence, the clinical significance of this variant remains unclear.

Labcorp Genetics (formerly Invitae), Labcorp
Classification: Likely benign. Last evaluated: 2025-03-15. Review status: criteria provided, single submitter. Criteria: Invitae Variant Classification Sherloc (09022015). Collection method: clinical testing. Allele origin: germline.